The following is an entry in ClinVar:

NM_001165963.4(SCN1A):c.4083C>A (p.Phe1361Leu)

Genes: SCN1A (sodium voltage-gated channel alpha subunit 1; minus strand), LOC102724058 (uncharacterized LOC102724058; plus strand). Cytogenetic location: 2q24.3.
Variant type: single nucleotide variant.
Coding change: c.4083C>A on transcript NM_001165963.4 (MANE Select); coding-DNA position 4083, C replaced by A.
Protein change: p.Phe1361Leu; replaces phenylalanine 1361 with leucine.
Molecular consequence: missense variant. On other transcripts: non-coding transcript variant (1).
Genome position (GRCh38, 1-based): chr2:166,002,673, G>T on the plus strand (C>A on the coding strand, the complement: SCN1A is on the minus strand). VCF-style: chr2-166002673-G-T. GRCh37 (hg19) VCF-style: chr2-166859183-G-T.
Other names: c.3999C>A, p.Phe1333Leu (NM_001165964.3, NM_001353957.2, NM_001353958.2); c.4083C>A, p.Phe1361Leu (NM_001202435.3, NM_001353948.2); c.4050C>A, p.Phe1350Leu (NM_001353949.2, NM_001353950.2, NM_001353951.2 and 2 more transcripts); c.4047C>A, p.Phe1349Leu (NM_001353954.2, NM_001353955.2); c.3996C>A, p.Phe1332Leu (NM_001353960.2); c.1641C>A, p.Phe547Leu (NM_001353961.2); short protein forms F1332L, F1350L, F547L, F1333L, F1361L, F1349L.
Identifiers: ClinVar variation 1358512 (VCV001358512.9), dbSNP rs2105509873, ClinGen allele CA349050543.
Genomic context (GRCh38, chr2:166,002,673, plus strand): 5'-AGTTGTGGTGTTAATACAGTGGTAGAATTTGCCAGCAAACAAATTTACGCCCATGATGCT[G>T]AAAATTAGCCAGAATATAAGACAAACCAGAAGCACATTCATGATGGATGGAATTGCTCCT-3'
Protein context (NP_001159435.1, residues 1351-1371): LLVCLIFWLI[Phe1361Leu]SIMGVNLFAG

ClinVar aggregate classification (germline): Pathogenic (1 of 4 stars; one submission).

Conditions:
Early-infantile DEE. Also called: Early infantile epileptic encephalopathy with suppression bursts; Early infantile epileptic encephalopathy; Ohtahara syndrome. Identifiers: Orphanet 1934, MedGen C0393706, MONDO:0800491.

Submission:

Labcorp Genetics (formerly Invitae), Labcorp
Classification: Pathogenic for Early-infantile DEE. Last evaluated: 2024-03-28. Review status: criteria provided, single submitter. Criteria: Invitae Variant Classification Sherloc (09022015). Collection method: clinical testing. Allele origin: germline.
Comment: This sequence change replaces phenylalanine, which is neutral and non-polar, with leucine, which is neutral and non-polar, at codon 1361 of the SCN1A protein (p.Phe1361Leu). This variant is not present in population databases (gnomAD no frequency). This missense change has been observed in individual(s) with SCN1A-related conditions (PMID: 30619928). In at least one individual the variant was observed to be de novo. ClinVar contains an entry for this variant (Variation ID: 1358512). Advanced modeling of protein sequence and biophysical properties (such as structural, functional, and spatial information, amino acid conservation, physicochemical variation, residue mobility, and thermodynamic stability) performed at Invitae indicates that this missense variant is expected to disrupt SCN1A protein function with a positive predictive value of 95%. For these reasons, this variant has been classified as Pathogenic.

Literature cited by the submitters: PubMed 30619928.